The following is an entry in ClinVar:

NC_000001.10:g.(?_67631262)_(67635341_?)dup

Gene: IL23R (interleukin 23 receptor; plus strand). Cytogenetic location: 1p31.3.
Variant type: Duplication.
Identifiers: ClinVar variation 2427314 (VCV002427314.4).

ClinVar aggregate classification (germline): Uncertain significance (1 of 4 stars; one submission).

Submission:

Labcorp Genetics (formerly Invitae), Labcorp
Classification: Uncertain significance. Last evaluated: 2023-11-06. Review status: criteria provided, single submitter. Criteria: Invitae Variant Classification Sherloc (09022015). Collection method: clinical testing. Allele origin: germline.
Comment: This variant results in a copy number gain of the genomic region encompassing exon(s) 1-3 of the IL23R gene. This region includes the initiator codon of the gene. This copy number gain extends beyond the assayed region for this gene and therefore may encompass additional genes. As the precise location of this event is unknown, it may be in tandem or it may be located elsewhere in the genome. This variant has not been reported in the literature in individuals affected with IL23R-related conditions. Experimental studies and prediction algorithms are not available or were not evaluated, and the functional significance of this variant is currently unknown. In summary, the available evidence is currently insufficient to determine the role of this variant in disease. Therefore, it has been classified as a Variant of Uncertain Significance.